The following is an entry in ClinVar:

ClinVar aggregate classification (germline): Uncertain significance (1 of 4 stars; one submission).

Conditions:
Lethal multiple pterygium syndrome (LMPS). Identifiers: Orphanet 33108, MedGen C1854678, MONDO:0009668, OMIM 253290.

Allele frequency attached by ClinVar (database versions not stated): TOPMed below 0.00001.

Submission:

Labcorp Genetics (formerly Invitae), Labcorp
Classification: Uncertain significance for Lethal multiple pterygium syndrome. Last evaluated: 2024-05-27. Review status: criteria provided, single submitter. Criteria: Invitae Variant Classification Sherloc (09022015). Collection method: clinical testing. Allele origin: germline.
Comment: This sequence change replaces proline, which is neutral and non-polar, with serine, which is neutral and polar, at codon 231 of the CHRND protein (p.Pro231Ser). This variant is not present in population databases (gnomAD no frequency). This variant has not been reported in the literature in individuals affected with CHRND-related conditions. Advanced modeling of protein sequence and biophysical properties (such as structural, functional, and spatial information, amino acid conservation, physicochemical variation, residue mobility, and thermodynamic stability) performed at Invitae indicates that this missense variant is not expected to disrupt CHRND protein function with a negative predictive value of 80%. In summary, the available evidence is currently insufficient to determine the role of this variant in disease. Therefore, it has been classified as a Variant of Uncertain Significance.

NM_000751.3(CHRND):c.691C>T (p.Pro231Ser)

Gene: CHRND (cholinergic receptor nicotinic delta subunit; plus strand). Cytogenetic location: 2q37.1.
Variant type: single nucleotide variant.
Coding change: c.691C>T on transcript NM_000751.3 (MANE Select); coding-DNA position 691, C replaced by T.
Protein change: p.Pro231Ser; replaces proline 231 with serine.
Molecular consequence: missense variant. On other transcripts: intron variant (1).
Genome position (GRCh38, 1-based): chr2:232,530,010, C>T. VCF-style: chr2-232530010-C-T. GRCh37 (hg19) VCF-style: chr2-233394720-C-T.
Other names: c.646C>T, p.Pro216Ser (NM_001256657.2); c.388C>T, p.Pro130Ser (NM_001311196.2); c.239-1342C>T (NM_001311195.2); short protein forms P231S, P130S, P216S.
Identifiers: ClinVar variation 2917834 (VCV002917834.3), dbSNP rs1691624475, ClinGen allele CA351000806.